The following is an entry in ClinVar:

ClinVar aggregate classification (germline): Uncertain significance (1 of 4 stars; one submission).

Conditions:
Inborn genetic diseases. Identifiers: MedGen C0950123, MeSH D030342.

Submission:

Ambry Genetics
Classification: Uncertain significance for Inborn genetic diseases. Last evaluated: 2025-12-20. Review status: criteria provided, single submitter. Criteria: Ambry Variant Classification Scheme 2023. Collection method: clinical testing. Allele origin: germline.
Comment: The p.N403S variant (also known as c.1208A>G), located in coding exon 9 of the DNMT3A gene, results from an A to G substitution at nucleotide position 1208. The asparagine at codon 403 is replaced by serine, an amino acid with highly similar properties. This amino acid position is conserved. In addition, this alteration is predicted to be tolerated by in silico analysis. Based on the available evidence, the clinical significance of this variant remains unclear.

NM_022552.5(DNMT3A):c.1208A>G (p.Asn403Ser)

Gene: DNMT3A (DNA methyltransferase 3 alpha; minus strand). Cytogenetic location: 2p23.3.
Variant type: single nucleotide variant.
Coding change: c.1208A>G on transcript NM_022552.5 (MANE Select); coding-DNA position 1208, A replaced by G.
Protein change: p.Asn403Ser; replaces asparagine 403 with serine.
Molecular consequence: missense variant. On other transcripts: non-coding transcript variant (1).
Genome position (GRCh38, 1-based): chr2:25,246,691, T>C on the plus strand (A>G on the coding strand, the complement: DNMT3A is on the minus strand). VCF-style: chr2-25246691-T-C. GRCh37 (hg19) VCF-style: chr2-25469560-T-C.
Other names: c.752A>G, p.Asn251Ser (NM_001320893.1); c.539A>G, p.Asn180Ser (NM_001375819.1); c.641A>G, p.Asn214Ser (NM_153759.3); c.1208A>G, p.Asn403Ser (NM_175629.2); short protein forms N214S, N180S, N251S, N403S.
Identifiers: ClinVar variation 4844022 (VCV004844022.1).